The following is an entry in ClinVar:

NM_001369268.1(ACAN):c.1580G>C (p.Gly527Ala)

Gene: ACAN (aggrecan; plus strand). Cytogenetic location: 15q26.1.
Variant type: single nucleotide variant.
Coding change: c.1580G>C on transcript NM_001369268.1 (MANE Select); coding-DNA position 1580, G replaced by C.
Protein change: p.Gly527Ala; replaces glycine 527 with alanine.
Molecular consequence: missense variant.
Genome position (GRCh38, 1-based): chr15:88,847,393, G>C. VCF-style: chr15-88847393-G-C. GRCh37 (hg19) VCF-style: chr15-89390624-G-C.
Other names: c.1580G>C, p.Gly527Ala (NM_001135.4, NM_001411096.1, NM_001411097.1 and 1 more transcripts); short protein forms G527A.
Identifiers: ClinVar variation 2693836 (VCV002693836.3), dbSNP rs771478914, ClinGen allele CA393710800.

ClinVar aggregate classification (germline): Uncertain significance (1 of 4 stars; one submission).

Submission:

Labcorp Genetics (formerly Invitae), Labcorp
Classification: Uncertain significance. Last evaluated: 2023-06-09. Review status: criteria provided, single submitter. Criteria: Invitae Variant Classification Sherloc (09022015). Collection method: clinical testing. Allele origin: germline.
Comment: This sequence change replaces glycine, which is neutral and non-polar, with alanine, which is neutral and non-polar, at codon 527 of the ACAN protein (p.Gly527Ala). This variant is not present in population databases (gnomAD no frequency). This variant has not been reported in the literature in individuals affected with ACAN-related conditions. Advanced modeling of protein sequence and biophysical properties (such as structural, functional, and spatial information, amino acid conservation, physicochemical variation, residue mobility, and thermodynamic stability) performed at Invitae indicates that this missense variant is not expected to disrupt ACAN protein function. In summary, the available evidence is currently insufficient to determine the role of this variant in disease. Therefore, it has been classified as a Variant of Uncertain Significance.